The following is an entry in ClinVar:

NM_031935.3(HMCN1):c.10592G>T (p.Gly3531Val)

Gene: HMCN1 (hemicentin 1; plus strand). Cytogenetic location: 1q31.1.
Variant type: single nucleotide variant.
Coding change: c.10592G>T on transcript NM_031935.3 (MANE Select); coding-DNA position 10592, G replaced by T.
Protein change: p.Gly3531Val; replaces glycine 3531 with valine.
Molecular consequence: missense variant.
Genome position (GRCh38, 1-based): chr1:186,103,490, G>T. VCF-style: chr1-186103490-G-T. GRCh37 (hg19) VCF-style: chr1-186072622-G-T.
Other names: short protein forms G3531V.
Identifiers: ClinVar variation 4805323 (VCV004805323.1).

ClinVar aggregate classification (germline): Uncertain significance (1 of 4 stars; one submission).

Submission:

Labcorp Genetics (formerly Invitae), Labcorp
Classification: Uncertain significance. Last evaluated: 2025-12-01. Review status: criteria provided, single submitter. Criteria: Invitae Variant Classification Sherloc (09022015). Collection method: clinical testing. Allele origin: germline.
Comment: This sequence change replaces glycine, which is neutral and non-polar, with valine, which is neutral and non-polar, at codon 3531 of the HMCN1 protein (p.Gly3531Val). This variant is not present in population databases (gnomAD no frequency). This variant has not been reported in the literature in individuals affected with HMCN1-related conditions. An algorithm developed to predict the effect of missense changes on protein structure and function (PolyPhen-2) suggests that this variant is likely to be disruptive. In summary, the available evidence is currently insufficient to determine the role of this variant in disease. Therefore, it has been classified as a Variant of Uncertain Significance.